The following is an entry in ClinVar:

ClinVar aggregate classification (germline): Uncertain significance (1 of 4 stars; one submission).

Submission:

Ambry Genetics
Classification: Uncertain significance. Last evaluated: 2024-03-26. Review status: criteria provided, single submitter. Criteria: Ambry Variant Classification Scheme 2023. Collection method: clinical testing. Allele origin: germline.
Comment: The c.4360T>A variant (also known as p.*1454Rext*18), located in coding exon 12 of the MLH3 gene, results from a T to A substitution at nucleotide position 4360. This alteration disrupts the stop codon of the MLH3 gene and is predicted to preserve the native sequence while resulting in the elongation of the protein by 18 amino acids. The exact functional effect of the additional amino acids is unknown. Additionally, the evidence for this gene-disease relationship is limited; therefore, the clinical significance of this alteration is unclear.

NM_001040108.2(MLH3):c.4360T>A (p.Ter1454Arg)

Gene: MLH3 (mutL homolog 3; minus strand). Cytogenetic location: 14q24.3.
Variant type: single nucleotide variant.
Coding change: c.4360T>A on transcript NM_001040108.2 (MANE Select); coding-DNA position 4360, T replaced by A.
Protein change: p.Ter1454Arg.
Molecular consequence: stop lost.
Genome position (GRCh38, 1-based): chr14:75,017,084, A>T on the plus strand (T>A on the coding strand, the complement: MLH3 is on the minus strand). VCF-style: chr14-75017084-A-T. GRCh37 (hg19) VCF-style: chr14-75483787-A-T.
Other names: c.4288T>A, p.Ter1430Arg (NM_014381.3).
Identifiers: ClinVar variation 3295087 (VCV003295087.1).